The following is an entry in ClinVar:

ClinVar aggregate classification (germline): Uncertain significance (1 of 4 stars; one submission).

Conditions:
Severe myoclonic epilepsy in infancy (DRVT). Also called: SEVERE MYOCLONIC EPILEPSY OF INFANCY; Dravet syndrome; Epileptic encephalopathy, early infantile, 6 (Dravet syndrome); DEVELOPMENTAL AND EPILEPTIC ENCEPHALOPATHY 6A; Severe Myoclonic Epilepsy in Infancy (SMEI). Identifiers: Orphanet 33069, MedGen C0751122, MONDO:0100135, OMIM 607208.

Allele frequency attached by ClinVar (database versions not stated): ExAC 0.00001; gnomAD 0.00001; gnomAD exomes 0.00001; TOPMed 0.00001.
gnomAD v4.1: 8 of 1,613,162 alleles (0.0005%); highest among the groups gnomAD compares: Admixed American, 0.0033%; no homozygotes.

Submission:

Labcorp Genetics (formerly Invitae), Labcorp
Classification: Uncertain significance for Severe myoclonic epilepsy in infancy. Last evaluated: 2024-10-22. Review status: criteria provided, single submitter. Criteria: Invitae Variant Classification Sherloc (09022015). Collection method: clinical testing. Allele origin: germline.
Comment: This sequence change replaces histidine, which is basic and polar, with tyrosine, which is neutral and polar, at codon 450 of the SNX27 protein (p.His450Tyr). This variant is present in population databases (rs747607305, gnomAD 0.006%). This variant has not been reported in the literature in individuals affected with SNX27-related conditions. ClinVar contains an entry for this variant (Variation ID: 949132). An algorithm developed to predict the effect of missense changes on protein structure and function (PolyPhen-2) suggests that this variant is likely to be disruptive. In summary, the available evidence is currently insufficient to determine the role of this variant in disease. Therefore, it has been classified as a Variant of Uncertain Significance.

NM_001330723.2(SNX27):c.1348C>T (p.His450Tyr)

Gene: SNX27 (sorting nexin 27; plus strand). Cytogenetic location: 1q21.3.
Variant type: single nucleotide variant.
Coding change: c.1348C>T on transcript NM_001330723.2 (MANE Select); coding-DNA position 1348, C replaced by T.
Protein change: p.His450Tyr; replaces histidine 450 with tyrosine.
Molecular consequence: missense variant.
Genome position (GRCh38, 1-based): chr1:151,692,543, C>T. VCF-style: chr1-151692543-C-T. GRCh37 (hg19) VCF-style: chr1-151665019-C-T.
Other names: c.1348C>T, p.His450Tyr (NM_030918.6); short protein forms H450Y.
Identifiers: ClinVar variation 949132 (VCV000949132.10), dbSNP rs747607305, ClinGen allele CA1093646.
Genomic context (GRCh38, chr1:151,692,543, plus strand): 5'-CCCCACTGTGCCTGTGACTCCAGGAGGAAGGGGCACGTTATCACAGCCATCAGCATCACG[C>T]ACTTTAAACTGCATGCCTGCACTGAAGAAGGACAGCTGGAGGTGAGTTTTCAGCATAGGG-3'
Protein context (NP_001317652.1, residues 440-460): GHVITAISIT[His450Tyr]FKLHACTEEG